The following is an entry in ClinVar:

ClinVar aggregate classification (germline): Benign/Likely benign. Review status: criteria provided, multiple submitters, no conflicts (2 of 4 stars). 18 submissions from 18 submitters: Benign (2); Likely benign (10). 6 of the submissions do not count toward it. Last evaluated 2026-01-26.

Conditions:
ATM-related disorder. Also called: ATM-related disorders; ATM-related condition.
Breast and/or ovarian cancer. Identifiers: MedGen CN221562.
Hereditary cancer-predisposing syndrome. Also called: Hereditary Cancer Syndrome; Tumor predisposition; Neoplastic Syndromes, Hereditary; Hereditary neoplastic syndrome. Identifiers: Orphanet 140162, MedGen C0027672, MeSH D009386, MONDO:0015356.
Familial cancer of breast. Also called: hereditary breast carcinoma; BREAST CANCER, FAMILIAL; Hereditary breast cancer. Identifiers: Orphanet 227535, MedGen C0346153, MONDO:0016419, OMIM 114480. Disease mechanism: loss of function.
Malignant tumor of breast. Also called: Malignant breast neoplasm; Cancer breast. Identifiers: MedGen C0006142, MONDO:0007254. Disease mechanism: loss of function.
Ataxia-telangiectasia syndrome (AT). Also called: ATAXIA-TELANGIECTASIA, COMPLEMENTATION GROUP A; ATAXIA-TELANGIECTASIA, FRESNO VARIANT; Ataxia-telangiectasia; Ataxia-telangiectasia, complementation group E; Cerebello-oculocutaneous telangiectasia; Immunodeficiency with ataxia telangiectasia. Identifiers: Orphanet 100, MedGen C0004135, MONDO:0008840, OMIM 208900.

Allele frequency attached by ClinVar (database versions not stated): ExAC 0.00002; gnomAD 0.00003; gnomAD exomes 0.00006 and 0.00002; TOPMed 0.00003.
gnomAD v4.1: 99 of 1,614,064 alleles (0.0061%); highest among the groups gnomAD compares: Non-Finnish European, 0.0082%; no homozygotes.

Submissions (18):

Labcorp Genetics (formerly Invitae), Labcorp
Classification: Likely benign for Ataxia-telangiectasia syndrome. Last evaluated: 2026-01-26. Review status: criteria provided, single submitter. Criteria: Invitae Variant Classification Sherloc (09022015). Collection method: clinical testing. Allele origin: germline.

Quest Diagnostics Nichols Institute San Juan Capistrano
Classification: Likely benign. Last evaluated: 2025-03-24. Review status: criteria provided, single submitter. Criteria: Quest Diagnostics criteria. Collection method: clinical testing. Allele origin: unknown.

Center for Genomic Medicine, Rigshospitalet, Copenhagen University Hospital
Classification: Likely benign. Last evaluated: 2025-03-04. Review status: criteria provided, single submitter. Criteria: ACMG Guidelines, 2015. Collection method: clinical testing. Allele origin: germline.

Myriad Genetics, Inc.
Classification: Benign for Familial cancer of breast. Last evaluated: 2024-06-12. Review status: criteria provided, single submitter. Criteria: Myriad Autosomal Dominant, Autosomal Recessive and X-Linked Classification Criteria (2023). Collection method: clinical testing. Allele origin: unknown.
Comment: This variant is considered benign. This variant is a silent/synonymous amino acid change and it is not expected to impact splicing.

CeGaT Center for Human Genetics Tuebingen
Classification: Likely benign. Last evaluated: 2024-04-01. Review status: criteria provided, single submitter. Criteria: CeGaT Center For Human Genetics Tuebingen Variant Classification Criteria Version 2. Collection method: clinical testing. Allele origin: germline. Affected: yes. Observed: 1 variant allele.
Comment: ATM: BP4, BP7

Blueprint Genetics
Classification: Likely benign. Last evaluated: 2022-07-25. Review status: criteria provided, single submitter. Criteria: ACMG Guidelines, 2015. Collection method: clinical testing. Allele origin: germline.

CHEO Genetics Diagnostic Laboratory, Children's Hospital of Eastern Ontario
Classification: Likely benign for Breast and/or ovarian cancer. Last evaluated: 2022-07-12. Review status: criteria provided, single submitter. Criteria: ACMG Guidelines, 2015. Collection method: clinical testing. Allele origin: germline.

Sema4
Classification: Likely benign for Hereditary cancer-predisposing syndrome. Last evaluated: 2021-08-24. Review status: criteria provided, single submitter. Criteria: Sema4 Curation Guidelines. Collection method: curation. Allele origin: germline.

Women's Health and Genetics/Laboratory Corporation of America, LabCorp
Classification: Likely benign. Last evaluated: 2019-08-20. Review status: criteria provided, single submitter. Criteria: LabCorp Variant Classification Summary - May 2015. Collection method: clinical testing. Allele origin: germline.

Color Diagnostics, LLC DBA Color Health
Classification: Likely benign for Hereditary cancer-predisposing syndrome. Last evaluated: 2015-12-08. Review status: criteria provided, single submitter. Criteria: ACMG Guidelines, 2015. Collection method: clinical testing. Allele origin: germline.

GeneDx
Classification: Benign. Last evaluated: 2015-03-03. Review status: criteria provided, single submitter. Criteria: GeneDx Variant Classification Process June 2021. Collection method: clinical testing. Allele origin: germline. Affected: yes.

Ambry Genetics
Classification: Likely benign for Hereditary cancer-predisposing syndrome. Last evaluated: 2014-10-22. Review status: criteria provided, single submitter. Criteria: Ambry Variant Classification Scheme 2023. Collection method: clinical testing. Allele origin: germline.

PreventionGenetics, part of Exact Sciences
Classification: Likely benign for ATM-related condition. Last evaluated: 2020-02-17. Review status: no assertion criteria provided. Collection method: clinical testing. Allele origin: germline. Not counted in ClinVar's aggregate classification.
Comment: This variant is classified as likely benign based on ACMG/AMP sequence variant interpretation guidelines (Richards et al. 2015 PMID: 25741868, with internal and published modifications).

Natera, Inc.
Classification: Uncertain significance for Ataxia-telangiectasia. Last evaluated: 2020-01-24. Review status: no assertion criteria provided. Collection method: clinical testing. Allele origin: germline. Not counted in ClinVar's aggregate classification.

Counsyl
Classification: Likely benign for Ataxia-telangiectasia syndrome. Last evaluated: 2016-12-23. Review status: no assertion criteria provided. Collection method: clinical testing. Allele origin: unknown. Not counted in ClinVar's aggregate classification.

Clinical Genetics DNA and cytogenetics Diagnostics Lab, Erasmus MC, Erasmus Medical Center
Classification: Likely benign. Review status: no assertion criteria provided. Collection method: clinical testing. Allele origin: germline. Affected: yes. Study: VKGL Data-share Consensus. Not counted in ClinVar's aggregate classification.

Department of Pathology and Laboratory Medicine, Sinai Health System
Classification: Likely benign for Malignant tumor of breast. Review status: no assertion criteria provided. Collection method: clinical testing. Allele origin: unknown. Affected: yes. Observed: 1 variant allele. Study: The Canadian Open Genetics Repository (COGR). Not counted in ClinVar's aggregate classification.
Comment: The ATM p.Ala2296= variant was not identified in the literature nor was it identified in the LOVD 3.0 database. The variant was identified in dbSNP (ID: rs200735689) as "With Uncertain significance allele", ClinVar (classified as likely benign by Invitae, Ambry Genetics, Color and Counsyl; and as uncertain significance by Integrated Genetics/Laboratory Corporation of America). The variant was identified in control databases in 7 of 277030 chromosomes at a frequency of 0.00003 (Genome Aggregation Database Feb 27, 2017). The variant was observed in the European population in 7 of 126558 chromosomes (freq: 0.00006), while the variant was not observed in the African, Other, Latino, Ashkenazi Jewish, East Asian, Finnish, or South Asian populations. The p.Ala2296= variant is not expected to have clinical significance because it does not result in a change of amino acid and is not located in a known consensus splice site. In addition, in silico or computational prediction software programs (SpliceSiteFinder, MaxEntScan, NNSPLICE, GeneSplicer) do not predict a difference in splicing. In summary, based on the above information, the clinical significance of this variant cannot be determined with certainty at this time although we would lean towards a more benign role for this variant. This variant is classified as likely benign.

Joint Genome Diagnostic Labs from Nijmegen and Maastricht, Radboudumc and MUMC+
Classification: Likely benign. Review status: no assertion criteria provided. Collection method: clinical testing. Allele origin: germline. Affected: yes. Study: VKGL Data-share Consensus. Not counted in ClinVar's aggregate classification.

NM_000051.4(ATM):c.6888A>T (p.Ala2296=)

Genes: ATM (ATM serine/threonine kinase; plus strand), C11orf65 (chromosome 11 open reading frame 65; minus strand). Cytogenetic location: 11q22.3.
Variant type: single nucleotide variant.
Coding change: c.6888A>T on transcript NM_000051.4 (MANE Select); coding-DNA position 6888, A replaced by T.
Protein change: p.Ala2296=; no amino-acid change (alanine 2296 retained).
Molecular consequence: synonymous variant. On other transcripts: intron variant (2).
Genome position (GRCh38, 1-based): chr11:108,326,138, A>T. VCF-style: chr11-108326138-A-T. GRCh37 (hg19) VCF-style: chr11-108196865-A-T.
Other names: c.6888A>T, p.Ala2296= (NM_001351834.2); c.641-17067T>A (NM_001330368.2); c.*38+9082T>A (NM_001351110.2).
Identifiers: ClinVar variation 183995 (VCV000183995.52), dbSNP rs200735689, ClinGen allele CA187435.